The following is an entry in ClinVar:

ClinVar aggregate classification (germline): Likely benign (1 of 4 stars; one submission).

Submission:

Mayo Clinic Laboratories, Mayo Clinic
Classification: Likely benign. Last evaluated: 2025-03-13. Review status: criteria provided, single submitter. Criteria: ACMG Guidelines, 2015. Collection method: clinical testing. Allele origin: germline. Observed: 1 variant allele.
Comment: BP4, BP7

NM_019616.4(F7):c.739+15_739+51del

Gene: F7 (coagulation factor VII; plus strand). Cytogenetic location: 13q34.
Variant type: Deletion.
Coding change: c.739+15_739+51del on transcript NM_019616.4 (MANE Select); bases 15 to 51 of the intron after coding-DNA position 739, 37 bases deleted.
Molecular consequence: intron variant.
Genome position (GRCh38, 1-based): chr13:113,117,611-113,117,647, 37 bases deleted; deleting any 37 consecutive bases within chr13:113,117,604-113,117,647 gives the same sequence; the c. name uses the placement nearest the transcript's 3' end. GRCh37 (hg19): chr13:113,771,925-113,771,961.
Other names: p.?; c.805+15_805+51del (NM_000131.5); c.553+15_553+51del (NM_001267554.2).
Identifiers: ClinVar variation 4683837 (VCV004683837.1).